The following is an entry in ClinVar:

ClinVar aggregate classification (germline): Uncertain significance. Review status: criteria provided, multiple submitters, no conflicts (2 of 4 stars). 3 submissions from 3 submitters: Uncertain significance (3). Last evaluated 2026-03-25.

Conditions:
Hyperkalemic periodic paralysis. Also called: Gamstorp disease; Familial hyperkalemic periodic paralysis. Identifiers: Orphanet 682, MedGen C0238357, MONDO:0008224, OMIM 170500, HP:0007215.
SCN4A-related disorder. Also called: SCN4A-related disorders.

Submissions (3):

PreventionGenetics, part of Exact Sciences
Classification: Uncertain significance for SCN4A-related condition. Last evaluated: 2026-03-25. Review status: criteria provided, single submitter. Criteria: ACMG Guidelines, 2015. Collection method: clinical testing. Allele origin: germline.
Comment: The SCN4A c.703+3A>T variant is predicted to interfere with splicing. This variant is predicted to alter splicing based on available splicing prediction programs (SpliceAI, Jaganathan et al. 2019. PubMed ID: 30661751). To our knowledge, this variant has not been reported in the literature or in gnomAD, indicating this variant is rare. Although we suspect that this variant may be pathogenic, at this time, the clinical significance of this variant is uncertain due to the absence of conclusive functional and genetic evidence.

GeneDx
Classification: Uncertain significance. Last evaluated: 2026-02-03. Review status: criteria provided, single submitter. Criteria: GeneDx Variant Classification Process June 2021. Collection method: clinical testing. Allele origin: germline.
Comment: Not observed at significant frequency in large population cohorts (gnomAD); In silico analysis supports a deleterious effect on splicing; Has not been previously published as pathogenic or benign to our knowledge

Labcorp Genetics (formerly Invitae), Labcorp
Classification: Uncertain significance for Hyperkalemic periodic paralysis. Last evaluated: 2023-05-03. Review status: criteria provided, single submitter. Criteria: Invitae Variant Classification Sherloc (09022015). Collection method: clinical testing. Allele origin: germline.
Comment: In summary, the available evidence is currently insufficient to determine the role of this variant in disease. Therefore, it has been classified as a Variant of Uncertain Significance. Variants that disrupt the consensus splice site are a relatively common cause of aberrant splicing (PMID: 17576681, 9536098). Algorithms developed to predict the effect of sequence changes on RNA splicing suggest that this variant may disrupt the consensus splice site. ClinVar contains an entry for this variant (Variation ID: 1980673). This variant has not been reported in the literature in individuals affected with SCN4A-related conditions. This variant is not present in population databases (gnomAD no frequency). This sequence change falls in intron 5 of the SCN4A gene. It does not directly change the encoded amino acid sequence of the SCN4A protein. It affects a nucleotide within the consensus splice site.

Literature cited by the submitters: PubMed 17576681 (cited by Labcorp Genetics (formerly Invitae), Labcorp); PubMed 9536098 (cited by Labcorp Genetics (formerly Invitae), Labcorp).

NM_000334.4(SCN4A):c.703+3A>T

Gene: SCN4A (sodium voltage-gated channel alpha subunit 4; minus strand). Cytogenetic location: 17q23.3.
Variant type: single nucleotide variant.
Coding change: c.703+3A>T on transcript NM_000334.4 (MANE Select); 3 bases into the intron after coding-DNA position 703, A replaced by T.
Molecular consequence: intron variant.
Genome position (GRCh38, 1-based): chr17:63,971,159, T>A on the plus strand (A>T on the coding strand, the complement: SCN4A is on the minus strand). VCF-style: chr17-63971159-T-A. GRCh37 (hg19) VCF-style: chr17-62048519-T-A.
Identifiers: ClinVar variation 1980673 (VCV001980673.6), dbSNP rs2509323262, ClinGen allele CA2576356169.